The following is an entry in ClinVar:

ClinVar aggregate classification (germline): Uncertain significance. Review status: criteria provided, multiple submitters, no conflicts (2 of 4 stars). 4 submissions from 4 submitters: Uncertain significance (4). Last evaluated 2024-12-04.

Conditions:
Classic or attenuated familial adenomatous polyposis. Identifiers: MedGen CN372698, MONDO:0021057.
Hereditary cancer-predisposing syndrome. Also called: Hereditary Cancer Syndrome; Neoplastic Syndromes, Hereditary; Hereditary neoplastic syndrome; Tumor predisposition. Identifiers: Orphanet 140162, MedGen C0027672, MeSH D009386, MONDO:0015356.
Familial adenomatous polyposis 1 (FAP1). Also called: FAMILIAL ADENOMATOUS POLYPOSIS 1, ATTENUATED; POLYPOSIS, ADENOMATOUS INTESTINAL. Identifiers: MedGen C2713442, MONDO:0021056, OMIM 175100. Disease mechanism: loss of function.

Allele frequency attached by ClinVar (database versions not stated): gnomAD exomes below 0.00001; TOPMed below 0.00001.
gnomAD v4.1: 1 of 1,613,954 alleles (0.000062%); highest among the groups gnomAD compares: Non-Finnish European, 0.000085%; no homozygotes.

Submissions (4):

Ambry Genetics
Classification: Uncertain significance for Hereditary cancer-predisposing syndrome. Last evaluated: 2024-12-04. Review status: criteria provided, single submitter. Criteria: Ambry Variant Classification Scheme 2023. Collection method: clinical testing. Allele origin: germline.
Comment: The p.L2378V variant (also known as c.7132C>G), located in coding exon 15 of the APC gene, results from a C to G substitution at nucleotide position 7132. The leucine at codon 2378 is replaced by valine, an amino acid with highly similar properties. Missense alterations in APC are not a common cause of disease (Spier I et al. Genet Med. 2024 Feb;26(2):100992). This amino acid position is highly conserved in available vertebrate species. In addition, in silico predictors for this gene do not accurately predict pathogenicity. Based on the available evidence, the clinical significance of this variant remains unclear.

Color Diagnostics, LLC DBA Color Health
Classification: Uncertain significance for Hereditary cancer-predisposing syndrome. Last evaluated: 2024-03-06. Review status: criteria provided, single submitter. Criteria: ACMG Guidelines, 2015. Collection method: clinical testing. Allele origin: germline.
Comment: This missense variant replaces leucine with valine at codon 2378 of the APC protein. Computational prediction suggests that this variant may not impact protein structure and function (internally defined REVEL score threshold <= 0.5, PMID: 27666373). To our knowledge, functional studies have not been reported for this variant. This variant has not been reported in individuals affected with APC-related disorders in the literature. This variant has been identified in 1/250082 chromosomes in the general population by the Genome Aggregation Database (gnomAD). The available evidence is insufficient to determine the role of this variant in disease conclusively. Therefore, this variant is classified as a Variant of Uncertain Significance.

All of Us Research Program, National Institutes of Health
Classification: Uncertain significance for Classic or attenuated familial adenomatous polyposis. Last evaluated: 2023-05-04. Review status: criteria provided, single submitter. Criteria: ACMG Guidelines, 2015. Collection method: clinical testing. Allele origin: germline. Inheritance: Autosomal dominant inheritance. Observed: 1 variant allele, 1 heterozygote.
Comment: This missense variant replaces leucine with valine at codon 2378 of the APC protein. Computational prediction is inconclusive regarding the impact of this variant on protein structure and function (internally defined REVEL score threshold 0.5 < inconclusive < 0.7, PMID: 27666373). To our knowledge, functional studies have not been reported for this variant. This variant has not been reported in individuals affected with hereditary cancer in the literature. This variant has been identified in 1/250082 chromosomes in the general population by the Genome Aggregation Database (gnomAD). The available evidence is insufficient to determine the role of this variant in disease conclusively. Therefore, this variant is classified as a Variant of Uncertain Significance.

This study involves interpretation of variants in research participants for the purpose of population health screening. Participant phenotype was not available at the time of variant classification. Additional details can be found in publication PMID: 35346344, PMCID: PMC8962531

Labcorp Genetics (formerly Invitae), Labcorp
Classification: Uncertain significance for Familial adenomatous polyposis 1. Last evaluated: 2022-12-21. Review status: criteria provided, single submitter. Criteria: Invitae Variant Classification Sherloc (09022015). Collection method: clinical testing. Allele origin: germline.
Comment: In summary, the available evidence is currently insufficient to determine the role of this variant in disease. Therefore, it has been classified as a Variant of Uncertain Significance. This sequence change replaces leucine, which is neutral and non-polar, with valine, which is neutral and non-polar, at codon 2378 of the APC protein (p.Leu2378Val). This variant is present in population databases (rs587782711, gnomAD 0.0009%). This variant has not been reported in the literature in individuals affected with APC-related conditions. ClinVar contains an entry for this variant (Variation ID: 142779). Advanced modeling of protein sequence and biophysical properties (such as structural, functional, and spatial information, amino acid conservation, physicochemical variation, residue mobility, and thermodynamic stability) performed at Invitae indicates that this missense variant is not expected to disrupt APC protein function.

NM_000038.6(APC):c.7132C>G (p.Leu2378Val)

Gene: APC (APC regulator of Wnt signaling pathway; plus strand). Cytogenetic location: 5q22.2.
Variant type: single nucleotide variant.
Coding change: c.7132C>G on transcript NM_000038.6 (MANE Select); coding-DNA position 7132, C replaced by G.
Protein change: p.Leu2378Val; replaces leucine 2378 with valine.
Molecular consequence: missense variant.
Genome position (GRCh38, 1-based): chr5:112,842,726, C>G. VCF-style: chr5-112842726-C-G. GRCh37 (hg19) VCF-style: chr5-112178423-C-G.
Other names: c.7132C>G, p.Leu2378Val (NM_001127510.3, NM_001354895.2); c.7078C>G, p.Leu2360Val (NM_001127511.3); c.7186C>G, p.Leu2396Val (NM_001354896.2); c.7162C>G, p.Leu2388Val (NM_001354897.2); c.7057C>G, p.Leu2353Val (NM_001354898.2); c.7048C>G, p.Leu2350Val (NM_001354899.2); c.7009C>G, p.Leu2337Val (NM_001354900.2); c.6955C>G, p.Leu2319Val (NM_001354901.2); and 5 more; short protein forms L2360V, L2378V, L2353V, L2388V, L2277V, L2350V, L2095V, L2252V.
Identifiers: ClinVar variation 142779 (VCV000142779.19), dbSNP rs587782711, ClinGen allele CA012880.
Genomic context (GRCh38, chr5:112,842,726, plus strand): 5'-TCCTCAGGTTCTGGAAAAATGTCATATACATCTCCAGGTAGACAGATGAGCCAACAGAAC[C>G]TTACCAAACAAACAGGTTTATCCAAGAATGCCAGTAGTATTCCAAGAAGTGAGTCTGCCT-3'
Protein context (NP_000029.2, residues 2368-2388): SPGRQMSQQN[Leu2378Val]TKQTGLSKNA